The following is an entry in ClinVar:

ClinVar aggregate classification (germline): Likely benign (1 of 4 stars; one submission).

gnomAD v4.1: 3 of 1,614,104 alleles (0.00019%); highest among the groups gnomAD compares: East Asian, 0.0045%; no homozygotes.

Submission:

CeGaT Center for Human Genetics Tuebingen
Classification: Likely benign. Last evaluated: 2022-09-01. Review status: criteria provided, single submitter. Criteria: CeGaT Center For Human Genetics Tuebingen Variant Classification Criteria Version 2. Collection method: clinical testing. Allele origin: germline. Affected: yes. Observed: 1 variant allele.
Comment: BAG5: PM2:Supporting, BP4, BP7

NM_001015048.3(BAG5):c.333A>G (p.Pro111=)

Gene: BAG5 (BAG cochaperone 5; minus strand). Cytogenetic location: 14q32.33.
Variant type: single nucleotide variant.
Coding change: c.333A>G on transcript NM_001015048.3 (MANE Select); coding-DNA position 333, A replaced by G.
Protein change: p.Pro111=; no amino-acid change (proline 111 retained).
Molecular consequence: synonymous variant.
Genome position (GRCh38, 1-based): chr14:103,560,832, T>C on the plus strand (A>G on the coding strand, the complement: BAG5 is on the minus strand). VCF-style: chr14-103560832-T-C. GRCh37 (hg19) VCF-style: chr14-104027169-T-C.
Other names: c.333A>G, p.Pro111= (NM_001015049.5, NM_004873.4).
Identifiers: ClinVar variation 2644590 (VCV002644590.24), dbSNP rs2507436855, ClinGen allele CA488196618.